The following is an entry in ClinVar:

ClinVar aggregate classification (germline): Conflicting classifications of pathogenicity. Review status: criteria provided, conflicting classifications (1 of 4 stars). 2 submissions from 2 submitters: Likely pathogenic (1); Uncertain significance (1). Last evaluated 2022-10-26.

Allele frequency attached by ClinVar (database versions not stated): ExAC 0.00001; gnomAD 0.00001; gnomAD exomes 0.00001; TOPMed 0.00001; ESP Exome Variant Server 0.00008.
gnomAD v4.1: 11 of 1,614,014 alleles (0.00068%); highest among the groups gnomAD compares: African/African-American, 0.0013%; no homozygotes.

Submissions (2):

Blueprint Genetics
Classification: Uncertain significance. Last evaluated: 2022-10-26. Review status: criteria provided, single submitter. Criteria: ACMG Guidelines, 2015. Collection method: clinical testing. Allele origin: germline.

Labcorp Genetics (formerly Invitae), Labcorp
Classification: Likely pathogenic. Last evaluated: 2022-03-18. Review status: criteria provided, single submitter. Criteria: Invitae Variant Classification Sherloc (09022015). Collection method: clinical testing. Allele origin: germline.
Comment: This sequence change affects a donor splice site in intron 4 of the CDH3 gene. It is expected to disrupt RNA splicing. Variants that disrupt the donor or acceptor splice site typically lead to a loss of protein function (PMID: 16199547), and loss-of-function variants in CDH3 are known to be pathogenic (PMID: 15805154, 27386845, 29620724). This variant is present in population databases (rs370724082, gnomAD 0.0009%). Disruption of this splice site has been observed in individual(s) with clinical features of hypotrichosis with juvenile macular dystrophy (Invitae). Algorithms developed to predict the effect of sequence changes on RNA splicing suggest that this variant may disrupt the consensus splice site. In summary, the currently available evidence indicates that the variant is pathogenic, but additional data are needed to prove that conclusively. Therefore, this variant has been classified as Likely Pathogenic.

Literature cited by the submitters: PubMed 16199547 (cited by Labcorp Genetics (formerly Invitae), Labcorp); PubMed 15805154 (cited by Labcorp Genetics (formerly Invitae), Labcorp); PubMed 27386845 (cited by Labcorp Genetics (formerly Invitae), Labcorp); PubMed 29620724 (cited by Labcorp Genetics (formerly Invitae), Labcorp).

NM_001793.6(CDH3):c.390+1G>C

Gene: CDH3 (cadherin 3; plus strand). Cytogenetic location: 16q22.1.
Variant type: single nucleotide variant.
Coding change: c.390+1G>C on transcript NM_001793.6 (MANE Select); the canonical splice donor site of the intron after coding-DNA position 390, G replaced by C.
Molecular consequence: splice donor variant.
Genome position (GRCh38, 1-based): chr16:68,678,278, G>C. VCF-style: chr16-68678278-G-C. GRCh37 (hg19) VCF-style: chr16-68712181-G-C.
Other names: c.225+1G>C (NM_001317196.2); c.390+1G>C (NM_001317195.3).
Identifiers: ClinVar variation 1948785 (VCV001948785.6), dbSNP rs370724082, ClinGen allele CA8129001.
Genomic context (GRCh38, chr16:68,678,278, plus strand): 5'-GTTGCTCCAATATCTGTCCCTGAAAATGGCAAGGGTCCCTTCCCCCAGAGACTGAATCAG[G>C]TACGACTGTGCCTTCTCCTGGGAAGCATTGGTGGCTCCAGGGACCCCCATCCAAAGGCCT-3'